The following is an entry in ClinVar:

NM_005032.7(PLS3):c.188A>G (p.Asp63Gly)

Gene: PLS3 (plastin 3; plus strand). Cytogenetic location: Xq23.
Variant type: single nucleotide variant.
Coding change: c.188A>G on transcript NM_005032.7 (MANE Select); coding-DNA position 188, A replaced by G.
Protein change: p.Asp63Gly; replaces aspartic acid 63 with glycine.
Molecular consequence: missense variant. On other transcripts: intron variant (1).
Genome position (GRCh38, 1-based): chrX:115,622,360, A>G. VCF-style: chrX-115622360-A-G. GRCh37 (hg19) VCF-style: chrX-114856672-A-G.
Other names: c.188A>G, p.Asp63Gly (NM_001136025.5); c.122A>G, p.Asp41Gly (NM_001282337.2); c.53A>G, p.Asp18Gly (NM_001282338.2); c.156+32A>G (NM_001172335.3); c.188A>G (NM_005032.5); short protein forms D18G, D41G, D63G.
Identifiers: ClinVar variation 1702045 (VCV001702045.6), dbSNP rs987712053, ClinGen allele CA334697365.

ClinVar aggregate classification (germline): Uncertain significance. Review status: criteria provided, multiple submitters, no conflicts (2 of 4 stars). 3 submissions from 3 submitters: Uncertain significance (3). Last evaluated 2025-12-24.

Conditions:
Osteogenesis imperfecta (OI). Identifiers: Orphanet 666, MedGen C0029434, MeSH D010013, MONDO:0019019.
Inborn genetic diseases. Identifiers: MedGen C0950123, MeSH D030342.

Allele frequency attached by ClinVar (database versions not stated): gnomAD exomes 0.00001; TOPMed 0.00003.
gnomAD v4.1: 8 of 1,195,510 alleles (0.00067%); highest among the groups gnomAD compares: Admixed American, 0.0022%; no homozygotes.

Submissions (3):

Labcorp Genetics (formerly Invitae), Labcorp
Classification: Uncertain significance. Last evaluated: 2025-12-24. Review status: criteria provided, single submitter. Criteria: Invitae Variant Classification Sherloc (09022015). Collection method: clinical testing. Allele origin: germline.
Comment: This sequence change replaces aspartic acid, which is acidic and polar, with glycine, which is neutral and non-polar, at codon 63 of the PLS3 protein (p.Asp63Gly). This variant is not present in population databases (gnomAD no frequency). This variant has not been reported in the literature in individuals affected with PLS3-related conditions. ClinVar contains an entry for this variant (Variation ID: 1702045). Invitae Evidence Modeling of protein sequence and biophysical properties (such as structural, functional, and spatial information, amino acid conservation, physicochemical variation, residue mobility, and thermodynamic stability) indicates that this missense variant is not expected to disrupt PLS3 protein function with a negative predictive value of 80%. In summary, the available evidence is currently insufficient to determine the role of this variant in disease. Therefore, it has been classified as a Variant of Uncertain Significance.

Ambry Genetics
Classification: Uncertain significance for Inborn genetic diseases. Last evaluated: 2024-08-27. Review status: criteria provided, single submitter. Criteria: Ambry Variant Classification Scheme 2023. Collection method: clinical testing. Allele origin: germline.

Genome Diagnostics Laboratory, The Hospital for Sick Children
Classification: Uncertain significance for Osteogenesis imperfecta. Last evaluated: 2020-01-01. Review status: criteria provided, single submitter. Criteria: ACMG Guidelines, 2015. Collection method: clinical testing. Allele origin: germline.